The following is an entry in ClinVar:

NM_000168.6(GLI3):c.3374G>A (p.Gly1125Glu)

Gene: GLI3 (GLI family zinc finger 3; minus strand). Cytogenetic location: 7p14.1.
Variant type: single nucleotide variant.
Coding change: c.3374G>A on transcript NM_000168.6 (MANE Select); coding-DNA position 3374, G replaced by A.
Protein change: p.Gly1125Glu; replaces glycine 1125 with glutamic acid.
Molecular consequence: missense variant.
Genome position (GRCh38, 1-based): chr7:41,965,699, C>T on the plus strand (G>A on the coding strand, the complement: GLI3 is on the minus strand). VCF-style: chr7-41965699-C-T. GRCh37 (hg19) VCF-style: chr7-42005297-C-T.
Other names: short protein forms G1125E.
Identifiers: ClinVar variation 2940614 (VCV002940614.3), dbSNP rs748255243, ClinGen allele CA367318239.

ClinVar aggregate classification (germline): Uncertain significance (1 of 4 stars; one submission).

Conditions:
Pallister-Hall syndrome (PHS). Also called: HYPOTHALAMIC HAMARTOBLASTOMA, HYPOPITUITARISM, IMPERFORATE ANUS, AND POSTAXIAL POLYDACTYLY; GLI3-Related Pallister-Hall Syndrome. Identifiers: Orphanet 672, MedGen C0265220, MONDO:0007804, OMIM 146510.
Greig cephalopolysyndactyly syndrome (GCPS). Also called: POLYSYNDACTYLY WITH PECULIAR SKULL SHAPE; Greig syndrome; GLI3-Related Greig Cephalopolysyndactyly Syndrome. Identifiers: Orphanet 380, MedGen C0265306, MONDO:0008287, OMIM 175700.

Submission:

Labcorp Genetics (formerly Invitae), Labcorp
Classification: Uncertain significance for Pallister-Hall syndrome; Greig cephalopolysyndactyly syndrome. Last evaluated: 2023-01-21. Review status: criteria provided, single submitter. Criteria: Invitae Variant Classification Sherloc (09022015). Collection method: clinical testing. Allele origin: germline.
Comment: This variant is not present in population databases (gnomAD no frequency). This sequence change replaces glycine, which is neutral and non-polar, with glutamic acid, which is acidic and polar, at codon 1125 of the GLI3 protein (p.Gly1125Glu). This variant has not been reported in the literature in individuals affected with GLI3-related conditions. In summary, the available evidence is currently insufficient to determine the role of this variant in disease. Therefore, it has been classified as a Variant of Uncertain Significance. Algorithms developed to predict the effect of missense changes on protein structure and function output the following: SIFT: "Tolerated"; PolyPhen-2: "Benign"; Align-GVGD: "Class C0". The glutamic acid amino acid residue is found in multiple mammalian species, which suggests that this missense change does not adversely affect protein function.